The following is an entry in ClinVar:

ClinVar aggregate classification (germline): Uncertain significance (1 of 4 stars; one submission).

Submission:

Labcorp Genetics (formerly Invitae), Labcorp
Classification: Uncertain significance. Last evaluated: 2022-09-06. Review status: criteria provided, single submitter. Criteria: Invitae Variant Classification Sherloc (09022015). Collection method: clinical testing. Allele origin: germline.
Comment: This variant is a gross deletion of the genomic region encompassing exon(s) 12 of the ERCC8 gene, which includes the termination codon. This deletion extends beyond the assayed region for this gene and therefore may encompass additional genes. While this deletion is not anticipated to lead to nonsense mediated decay, it is expected to alter mRNA translation or result in a truncated protein product. This variant has not been reported in the literature in individuals affected with ERCC8-related conditions. Experimental studies and prediction algorithms are not available or were not evaluated, and the functional significance of this variant is currently unknown. In summary, the available evidence is currently insufficient to determine the role of this variant in disease. Therefore, it has been classified as a Variant of Uncertain Significance.

NC_000005.9:g.(?_60170442)_(60170530_?)del

Gene: ERCC8 (ERCC excision repair 8, CSA ubiquitin ligase complex subunit; minus strand). Cytogenetic location: 5q12.1.
Variant type: Deletion.
Identifiers: ClinVar variation 2422317 (VCV002422317.3).